The following is an entry in ClinVar:

NM_015340.4(LARS2):c.1108C>A (p.Leu370Met)

Genes: LARS2 (leucyl-tRNA synthetase 2, mitochondrial; plus strand), LARS2-AS1 (LARS2 antisense RNA 1; minus strand). Cytogenetic location: 3p21.31.
Variant type: single nucleotide variant.
Coding change: c.1108C>A on transcript NM_015340.4 (MANE Select); coding-DNA position 1108, C replaced by A.
Protein change: p.Leu370Met; replaces leucine 370 with methionine.
Molecular consequence: missense variant.
Genome position (GRCh38, 1-based): chr3:45,485,781, C>A. VCF-style: chr3-45485781-C-A. GRCh37 (hg19) VCF-style: chr3-45527273-C-A.
Other names: c.1108C>A, p.Leu370Met (NM_001368263.1); short protein forms L370M.
Identifiers: ClinVar variation 3375617 (VCV003375617.2).

ClinVar aggregate classification (germline): Uncertain significance. Review status: criteria provided, multiple submitters, no conflicts (2 of 4 stars). 2 submissions from 2 submitters: Uncertain significance (2). Last evaluated 2025-06-10.

Conditions:
Inborn genetic diseases. Identifiers: MedGen C0950123, MeSH D030342.

gnomAD v4.1: 3 of 1,606,500 alleles (0.00019%); highest among the groups gnomAD compares: African/African-American, 0.0027%; no homozygotes.

Submissions (2):

Ambry Genetics
Classification: Uncertain significance for Inborn genetic diseases. Last evaluated: 2025-06-10. Review status: criteria provided, single submitter. Criteria: Ambry Variant Classification Scheme 2023. Collection method: clinical testing. Allele origin: germline.

GeneDx
Classification: Uncertain significance. Last evaluated: 2024-05-10. Review status: criteria provided, single submitter. Criteria: GeneDx Variant Classification Process June 2021. Collection method: clinical testing. Allele origin: germline. Affected: yes.
Comment: Not observed at significant frequency in large population cohorts (gnomAD); In silico analysis indicates that this missense variant does not alter protein structure/function; Has not been previously published as pathogenic or benign to our knowledge